The following is an entry in ClinVar:

NM_017780.4(CHD7):c.1172C>G (p.Ala391Gly)

Gene: CHD7 (chromodomain helicase DNA binding protein 7; plus strand). Cytogenetic location: 8q12.2.
Variant type: single nucleotide variant.
Coding change: c.1172C>G on transcript NM_017780.4 (MANE Select); coding-DNA position 1172, C replaced by G.
Protein change: p.Ala391Gly; replaces alanine 391 with glycine.
Molecular consequence: missense variant.
Genome position (GRCh38, 1-based): chr8:60,742,604, C>G. VCF-style: chr8-60742604-C-G. GRCh37 (hg19) VCF-style: chr8-61655163-C-G.
Other names: c.1172C>G, p.Ala391Gly (NM_001316690.1); c.1172C>G (NM_017780.3); short protein forms A391G.
Identifiers: ClinVar variation 2037594 (VCV002037594.8), dbSNP rs191435594, ClinGen allele CA4759440.

ClinVar aggregate classification (germline): Conflicting classifications of pathogenicity. Review status: criteria provided, conflicting classifications (1 of 4 stars). 4 submissions from 4 submitters: Uncertain significance (3); Benign (1). Last evaluated 2025-07-16.

Conditions:
Inborn genetic diseases. Identifiers: MedGen C0950123, MeSH D030342.
Hypogonadotropic hypogonadism 5 with or without anosmia (KAL5). Also called: CHD7-Related GnRH Deficiency (Kallmann Syndrome 5); HYPOGONADOTROPIC HYPOGONADISM 5 WITH ANOSMIA; HYPOGONADOTROPHIC HYPOGONADISM 5 WITHOUT ANOSMIA. Identifiers: Orphanet 478, MedGen C3552553, MONDO:0012880, OMIM 612370. Disease mechanism: loss of function.
CHARGE syndrome (CHARGE). Also called: Hittner Hirsch Kreh syndrome; CHARGE ASSOCIATION--COLOBOMA, HEART ANOMALY, CHOANAL ATRESIA, RETARDATION, GENITAL AND EAR ANOMALIES; Coloboma, heart anomaly, choanal atresia, retardation, genital and ear anomalies; CHARGE association; Hall-Hittner syndrome. Identifiers: Orphanet 138, MedGen C0265354, MONDO:0008965.

Allele frequency attached by ClinVar (database versions not stated): ExAC 0.00001; 1000 Genomes Project 30x 0.00016; 1000 Genomes Project 0.00020.
gnomAD v4.1: 2 of 1,613,442 alleles (0.00012%); highest among the groups gnomAD compares: Admixed American, 0.0033%; no homozygotes.

Submissions (4):

Women's Health and Genetics/Laboratory Corporation of America, LabCorp
Classification: Uncertain significance. Last evaluated: 2025-07-16. Review status: criteria provided, single submitter. Criteria: LabCorp Variant Classification Summary - May 2015. Collection method: clinical testing. Allele origin: germline.
Comment: Variant summary: CHD7 c.1172C>G (p.Ala391Gly) results in a non-conservative amino acid change in the encoded protein sequence. Algorithms developed to predict the effect of missense changes on protein structure and function are either unavailable or do not agree on the potential impact of this missense change. The variant allele was found at a frequency of 8e-06 in 248938 control chromosomes. The available data on variant occurrences in the general population are insufficient to allow any conclusion about variant significance. To our knowledge, no occurrence of c.1172C>G in individuals affected with Hypogonadotropic Hypogonadism 5 With Or Without Anosmia and no experimental evidence demonstrating its impact on protein function have been reported. ClinVar contains an entry for this variant (Variation ID: 2037594). Based on the evidence outlined above, the variant was classified as uncertain significance.

Ambry Genetics
Classification: Uncertain significance for Inborn genetic diseases. Last evaluated: 2025-02-06. Review status: criteria provided, single submitter. Criteria: Ambry Variant Classification Scheme 2023. Collection method: clinical testing. Allele origin: germline.
Comment: The p.A391G variant (also known as c.1172C>G), located in coding exon 1 of the CHD7 gene, results from a C to G substitution at nucleotide position 1172. The alanine at codon 391 is replaced by glycine, an amino acid with similar properties. This amino acid position is conserved. In addition, this alteration is predicted to be tolerated by in silico analysis. Based on the available evidence, the clinical significance of this variant remains unclear.

Fulgent Genetics
Classification: Uncertain significance for CHD7-related CHARGE syndrome; Hypogonadotropic hypogonadism 5 with or without anosmia. Last evaluated: 2024-05-13. Review status: criteria provided, single submitter. Criteria: ACMG Guidelines, 2015. Collection method: clinical testing. Allele origin: germline.

Labcorp Genetics (formerly Invitae), Labcorp
Classification: Benign for CHARGE syndrome. Last evaluated: 2022-08-24. Review status: criteria provided, single submitter. Criteria: Invitae Variant Classification Sherloc (09022015). Collection method: clinical testing. Allele origin: germline.